The following is an entry in ClinVar:

ClinVar aggregate classification (germline): Uncertain significance. Review status: criteria provided, multiple submitters, no conflicts (2 of 4 stars). 2 submissions from 2 submitters: Uncertain significance (2). Last evaluated 2024-09-29.

Conditions:
Developmental and epileptic encephalopathy 94 (DEE94). Also called: Epileptic encephalopathy, childhood-onset; CHD2-Related Neurodevelopmental Disorders. Identifiers: Orphanet 1942, Orphanet 2382, MedGen C3809278, MONDO:0014150, OMIM 615369.

Allele frequency attached by ClinVar (database versions not stated): gnomAD exomes below 0.00001; gnomAD 0.00001.
gnomAD v4.1: 6 of 1,614,104 alleles (0.00037%); highest among the groups gnomAD compares: Admixed American, 0.0017%; no homozygotes.

Submissions (2):

Labcorp Genetics (formerly Invitae), Labcorp
Classification: Uncertain significance for Developmental and epileptic encephalopathy 94. Last evaluated: 2024-09-29. Review status: criteria provided, single submitter. Criteria: Invitae Variant Classification Sherloc (09022015). Collection method: clinical testing. Allele origin: germline.
Comment: This sequence change replaces asparagine, which is neutral and polar, with serine, which is neutral and polar, at codon 1494 of the CHD2 protein (p.Asn1494Ser). This variant is not present in population databases (gnomAD no frequency). This variant has not been reported in the literature in individuals affected with CHD2-related conditions. ClinVar contains an entry for this variant (Variation ID: 959631). Invitae Evidence Modeling of protein sequence and biophysical properties (such as structural, functional, and spatial information, amino acid conservation, physicochemical variation, residue mobility, and thermodynamic stability) indicates that this missense variant is not expected to disrupt CHD2 protein function with a negative predictive value of 95%. In summary, the available evidence is currently insufficient to determine the role of this variant in disease. Therefore, it has been classified as a Variant of Uncertain Significance.

Fulgent Genetics
Classification: Uncertain significance for Developmental and epileptic encephalopathy 94. Last evaluated: 2022-04-29. Review status: criteria provided, single submitter. Criteria: ACMG Guidelines, 2015. Collection method: clinical testing. Allele origin: unknown.

NM_001271.4(CHD2):c.4481A>G (p.Asn1494Ser)

Gene: CHD2 (chromodomain helicase DNA binding protein 2; plus strand). Cytogenetic location: 15q26.1.
Variant type: single nucleotide variant.
Coding change: c.4481A>G on transcript NM_001271.4 (MANE Select); coding-DNA position 4481, A replaced by G.
Protein change: p.Asn1494Ser; replaces asparagine 1494 with serine.
Molecular consequence: missense variant.
Genome position (GRCh38, 1-based): chr15:93,009,212, A>G. VCF-style: chr15-93009212-A-G. GRCh37 (hg19) VCF-style: chr15-93552442-A-G.
Other names: short protein forms N1494S.
Identifiers: ClinVar variation 959631 (VCV000959631.9), dbSNP rs913833972, ClinGen allele CA274885096.